The following is an entry in ClinVar:

NM_004260.4(RECQL4):c.1517C>G (p.Ala506Gly)

Gene: RECQL4 (RecQ like helicase 4; minus strand). Cytogenetic location: 8q24.3.
Variant type: single nucleotide variant.
Coding change: c.1517C>G on transcript NM_004260.4 (MANE Select); coding-DNA position 1517, C replaced by G.
Protein change: p.Ala506Gly; replaces alanine 506 with glycine.
Molecular consequence: missense variant.
Genome position (GRCh38, 1-based): chr8:144,515,039, G>C on the plus strand (C>G on the coding strand, the complement: RECQL4 is on the minus strand). VCF-style: chr8-144515039-G-C. GRCh37 (hg19) VCF-style: chr8-145740423-G-C.
Other names: short protein forms A506G.
Identifiers: ClinVar variation 853710 (VCV000853710.7), dbSNP rs1237298928, ClinGen allele CA372684099.
Genomic context (GRCh38, chr8:144,515,039, plus strand): 5'-AGGCAGGGGCTGCGCCGGCTGTAGAGCAGCGCTGGGAGCTGGTAGCACAGGGACTTGCCG[G>C]CACCTGTAGGCAGCACCAGCAGCGTGGAGATGCCTGGATGGGGCGGGAGTCAGCAGCAGG-3'
Protein context (NP_004251.4, residues 496-516): ISTLLVLPTG[Ala506Gly]GKSLCYQLPA

ClinVar aggregate classification (germline): Uncertain significance. Review status: criteria provided, multiple submitters, no conflicts (2 of 4 stars). 2 submissions from 2 submitters: Uncertain significance (2). Last evaluated 2024-12-22.

Conditions:
Baller-Gerold syndrome (BGS). Also called: CRANIOSYNOSTOSIS WITH RADIAL DEFECTS. Identifiers: Orphanet 1225, MedGen C0265308, MONDO:0009039, OMIM 218600.
Inborn genetic diseases. Identifiers: MedGen C0950123, MeSH D030342.

Allele frequency attached by ClinVar (database versions not stated): gnomAD exomes below 0.00001; gnomAD 0.00003; TOPMed 0.00003.
gnomAD v4.1: 6 of 1,609,258 alleles (0.00037%); highest among the groups gnomAD compares: African/African-American, 0.0067%; no homozygotes.

Submissions (2):

Ambry Genetics
Classification: Uncertain significance for Inborn genetic diseases. Last evaluated: 2024-12-22. Review status: criteria provided, single submitter. Criteria: Ambry Variant Classification Scheme 2023. Collection method: clinical testing. Allele origin: germline.
Comment: The p.A506G variant (also known as c.1517C>G), located in coding exon 9 of the RECQL4 gene, results from a C to G substitution at nucleotide position 1517. The alanine at codon 506 is replaced by glycine, an amino acid with similar properties. This amino acid position is conserved. In addition, the in silico prediction for this alteration is inconclusive. Based on the available evidence, the clinical significance of this variant remains unclear.

Labcorp Genetics (formerly Invitae), Labcorp
Classification: Uncertain significance for Baller-Gerold syndrome. Last evaluated: 2024-04-23. Review status: criteria provided, single submitter. Criteria: Invitae Variant Classification Sherloc (09022015). Collection method: clinical testing. Allele origin: germline.
Comment: This sequence change replaces alanine, which is neutral and non-polar, with glycine, which is neutral and non-polar, at codon 506 of the RECQL4 protein (p.Ala506Gly). This variant is present in population databases (no rsID available, gnomAD 0.009%). This variant has not been reported in the literature in individuals affected with RECQL4-related conditions. ClinVar contains an entry for this variant (Variation ID: 853710). Advanced modeling of protein sequence and biophysical properties (such as structural, functional, and spatial information, amino acid conservation, physicochemical variation, residue mobility, and thermodynamic stability) performed at Invitae indicates that this missense variant is not expected to disrupt RECQL4 protein function with a negative predictive value of 80%. In summary, the available evidence is currently insufficient to determine the role of this variant in disease. Therefore, it has been classified as a Variant of Uncertain Significance.